The following is an entry in ClinVar:

NM_001080517.3(SETD5):c.1972del (p.Thr658fs)

Gene: SETD5 (SET domain containing 5; plus strand). Cytogenetic location: 3p25.3.
Variant type: Deletion.
Coding change: c.1972del on transcript NM_001080517.3 (MANE Select); coding-DNA position 1972, one base deleted (A; older notation c.1972delA).
Protein change: p.Thr658fs; shifts the reading frame from threonine 658.
Molecular consequence: frameshift variant.
Genome position (GRCh38, 1-based): chr3:9,447,875, A deleted; the last of 2 consecutive A bases (chr3:9,447,874-9,447,875); deleting either gives the same sequence. VCF-style (leftmost placement, unchanged base first): chr3-9447873-TA-T. GRCh37 (hg19) VCF-style: chr3-9489557-TA-T.
Other names: c.1678del, p.Thr560fs (NM_001292043.2, NM_001349451.2); short protein forms T658fs, T560fs.
Identifiers: ClinVar variation 3952864 (VCV003952864.1).

ClinVar aggregate classification (germline): Pathogenic (1 of 4 stars; one submission).

Conditions:
Inborn genetic diseases. Identifiers: MedGen C0950123, MeSH D030342.

Submission:

Ambry Genetics
Classification: Pathogenic for Inborn genetic diseases. Last evaluated: 2025-03-25. Review status: criteria provided, single submitter. Criteria: Ambry Variant Classification Scheme 2023. Collection method: clinical testing. Allele origin: germline.
Comment: The c.1972delA (p.T658Lfs*8) alteration, located in exon 15 (coding exon 13) of the SETD5 gene, consists of a deletion of one nucleotide at position 1972, causing a translational frameshift with a predicted alternate stop codon after 8 amino acids. This alteration is expected to result in loss of function by premature protein truncation or nonsense-mediated mRNA decay. This variant was not reported in population-based cohorts in the Genome Aggregation Database (gnomAD). Based on the available evidence, this alteration is classified as pathogenic.